The following is an entry in ClinVar:

ClinVar aggregate classification (germline): Uncertain significance (1 of 4 stars; one submission).

Allele frequency attached by ClinVar (database versions not stated): gnomAD exomes below 0.00001; TOPMed 0.00001.
gnomAD v4.1: 1 of 398,424 alleles (0.00025%); highest among the groups gnomAD compares: Non-Finnish European, 0.00044%; no homozygotes.

Submission:

CeGaT Center for Human Genetics Tuebingen
Classification: Uncertain significance. Last evaluated: 2024-03-01. Review status: criteria provided, single submitter. Criteria: CeGaT Center For Human Genetics Tuebingen Variant Classification Criteria Version 2. Collection method: clinical testing. Allele origin: germline. Affected: yes. Observed: 1 variant allele.
Comment: KCNQ1OT1: PM2

NM_000218.3(KCNQ1):c.1514+5381T>C

Genes: KCNQ1 (potassium voltage-gated channel subfamily Q member 1; plus strand), KCNQ1OT1 (KCNQ1 opposite strand/antisense transcript 1; minus strand). Cytogenetic location: 11p15.5.
Variant type: single nucleotide variant.
Coding change: c.1514+5381T>C on transcript NM_000218.3 (MANE Select); 5381 bases into the intron after coding-DNA position 1514, T replaced by C.
Molecular consequence: intron variant. On other transcripts: non-coding transcript variant (1).
Genome position (GRCh38, 1-based): chr11:2,667,462, T>C. VCF-style: chr11-2667462-T-C. GRCh37 (hg19) VCF-style: chr11-2688692-T-C.
Other names: c.1244+5381T>C (NM_001406837.1); c.1418+5381T>C (NM_001406836.1); c.974+5381T>C (NM_001406838.1); c.1133+5381T>C (NM_181798.2).
Identifiers: ClinVar variation 3067544 (VCV003067544.21), dbSNP rs1850098823, ClinGen allele CA472745085.